The following is an entry in ClinVar:

ClinVar aggregate classification (germline): Uncertain significance (1 of 4 stars; one submission).

Conditions:
Jeune thoracic dystrophy. Also called: Jeune syndrome; Infantile thoracic dystrophy; Thoracic pelvic phalangeal dystrophy; Jeune's syndrome; Chondroectodermal dysplasia-like syndrome; Short-rib thoracic dysplasia. Identifiers: Orphanet 474, MedGen C0265275, MONDO:0018770.

Allele frequency attached by ClinVar (database versions not stated): gnomAD 0.00001; gnomAD exomes 0.00001.
gnomAD v4.1: 6 of 1,612,886 alleles (0.00037%); highest among the groups gnomAD compares: South Asian, 0.0055%; no homozygotes.

Submission:

Labcorp Genetics (formerly Invitae), Labcorp
Classification: Uncertain significance for Jeune thoracic dystrophy. Last evaluated: 2022-08-09. Review status: criteria provided, single submitter. Criteria: Invitae Variant Classification Sherloc (09022015). Collection method: clinical testing. Allele origin: germline.
Comment: This sequence change affects codon 3507 of the DYNC2H1 mRNA. It is a 'silent' change, meaning that it does not change the encoded amino acid sequence of the DYNC2H1 protein. This variant is present in population databases (no rsID available, gnomAD 0.007%). This variant has not been reported in the literature in individuals affected with DYNC2H1-related conditions. ClinVar contains an entry for this variant (Variation ID: 1524400). Algorithms developed to predict the effect of sequence changes on RNA splicing suggest that this variant may create or strengthen a splice site. In summary, the available evidence is currently insufficient to determine the role of this variant in disease. Therefore, it has been classified as a Variant of Uncertain Significance.

NM_001377.3(DYNC2H1):c.10500C>T (p.Ser3500=)

Gene: DYNC2H1 (dynein cytoplasmic 2 heavy chain 1; plus strand). Cytogenetic location: 11q22.3.
Variant type: single nucleotide variant.
Coding change: c.10500C>T on transcript NM_001377.3 (MANE Select); coding-DNA position 10500, C replaced by T.
Protein change: p.Ser3500=; no amino-acid change (serine 3500 retained).
Molecular consequence: synonymous variant.
Genome position (GRCh38, 1-based): chr11:103,257,646, C>T. VCF-style: chr11-103257646-C-T. GRCh37 (hg19) VCF-style: chr11-103128375-C-T.
Other names: c.10521C>T, p.Ser3507= (NM_001080463.2).
Identifiers: ClinVar variation 1524400 (VCV001524400.3), dbSNP rs1409372884, ClinGen allele CA476607897.